The following is an entry in ClinVar:

ClinVar aggregate classification (germline): Pathogenic (1 of 4 stars; one submission).

Conditions:
Symmetrical dyschromatosis of extremities (DSH). Also called: DYSCHROMATOSIS SYMMETRICA HEREDITARIA 1; RETICULATE ACROPIGMENTATION OF DOHI; SYMMETRIC DYSCHROMATOSIS OF THE EXTREMITIES; Dyschromatosis symmetrica hereditaria. Identifiers: Orphanet 41, MedGen C0406775, MONDO:0007483, OMIM 127400.
Aicardi-Goutieres syndrome 6 (AGS6). Identifiers: Orphanet 51, MedGen C3539013, MONDO:0014007, OMIM 615010.

gnomAD v4.1: 3 of 1,613,236 alleles (0.00019%); highest among the groups gnomAD compares: African/African-American, 0.0013%; no homozygotes.

Submission:

Labcorp Genetics (formerly Invitae), Labcorp
Classification: Pathogenic for Aicardi-Goutieres syndrome 6; Symmetrical dyschromatosis of extremities. Last evaluated: 2024-03-17. Review status: criteria provided, single submitter. Criteria: Invitae Variant Classification Sherloc (09022015). Collection method: clinical testing. Allele origin: germline.
Comment: This sequence change creates a premature translational stop signal (p.Gln109*) in the ADAR gene. It is expected to result in an absent or disrupted protein product. Loss-of-function variants in ADAR are known to be pathogenic (PMID: 22974014). This variant is not present in population databases (gnomAD no frequency). This variant has not been reported in the literature in individuals affected with ADAR-related conditions. For these reasons, this variant has been classified as Pathogenic.

Literature cited by the submitters: PubMed 22974014.

NM_001111.5(ADAR):c.325C>T (p.Gln109Ter)

Gene: ADAR (adenosine deaminase RNA specific; minus strand). Cytogenetic location: 1q21.3.
Variant type: single nucleotide variant.
Coding change: c.325C>T on transcript NM_001111.5 (MANE Select); coding-DNA position 325, C replaced by T.
Protein change: p.Gln109Ter; replaces glutamine 109 with a stop codon.
Molecular consequence: nonsense. On other transcripts: 5 prime UTR variant (3), intron variant (3).
Genome position (GRCh38, 1-based): chr1:154,602,317, G>A on the plus strand (C>T on the coding strand, the complement: ADAR is on the minus strand). VCF-style: chr1-154602317-G-A. GRCh37 (hg19) VCF-style: chr1-154574793-G-A.
Other names: c.-561C>T (NM_001025107.3, NM_001193495.2, NM_001365048.1); c.352C>T, p.Gln118Ter (NM_001365045.1); c.325C>T, p.Gln109Ter (NM_015840.4, NM_015841.4); c.-493+68C>T (NM_001365046.1, NM_001365049.1, NM_001365047.1); short protein forms Q109*, Q118*.
Identifiers: ClinVar variation 3763896 (VCV003763896.2).